The following is an entry in ClinVar:

NM_207312.3(TUBA3E):c.717G>A (p.Thr239=)

Genes: MZT2B (mitotic spindle organizing protein 2B; plus strand), TUBA3E (tubulin alpha 3e; minus strand). Cytogenetic location: 2q21.1.
Variant type: single nucleotide variant.
Coding change: c.717G>A on transcript NM_207312.3 (MANE Select); coding-DNA position 717, G replaced by A.
Protein change: p.Thr239=; no amino-acid change (threonine 239 retained).
Molecular consequence: synonymous variant.
Genome position (GRCh38, 1-based): chr2:130,194,125, C>T on the plus strand (G>A on the coding strand, the complement: TUBA3E is on the minus strand). VCF-style: chr2-130194125-C-T. GRCh37 (hg19) VCF-style: chr2-130951698-C-T.
Identifiers: ClinVar variation 3770633 (VCV003770633.13).

ClinVar aggregate classification (germline): Likely benign (1 of 4 stars; one submission).

Submission:

CeGaT Center for Human Genetics Tuebingen
Classification: Likely benign. Last evaluated: 2025-02-01. Review status: criteria provided, single submitter. Criteria: CeGaT Center For Human Genetics Tuebingen Variant Classification Criteria Version 2. Collection method: clinical testing. Allele origin: germline. Affected: yes. Observed: 2 variant alleles.
Comment: TUBA3E: BP4, BP7